The following is an entry in ClinVar:

NM_000297.4(PKD2):c.1098G>T (p.Trp366Cys)

Gene: PKD2 (polycystin 2, transient receptor potential cation channel; plus strand). Cytogenetic location: 4q22.1.
Variant type: single nucleotide variant.
Coding change: c.1098G>T on transcript NM_000297.4 (MANE Select); coding-DNA position 1098, G replaced by T.
Protein change: p.Trp366Cys; replaces tryptophan 366 with cysteine.
Molecular consequence: missense variant. On other transcripts: non-coding transcript variant (1).
Genome position (GRCh38, 1-based): chr4:88,043,236, G>T. VCF-style: chr4-88043236-G-T. GRCh37 (hg19) VCF-style: chr4-88964388-G-T.
Other names: short protein forms W366C.
Identifiers: ClinVar variation 4075015 (VCV004075015.2).

ClinVar aggregate classification (germline): Uncertain significance. Review status: criteria provided, multiple submitters, no conflicts (2 of 4 stars). 2 submissions from 2 submitters: Uncertain significance (2). Last evaluated 2026-05-18.

Conditions:
Polycystic kidney disease 2 (PKD2). Also called: Polycystic Kidney Disease 2, Autosomal Dominant; POLYCYSTIC KIDNEY DISEASE, ADULT, TYPE II; POLYCYSTIC KIDNEY DISEASE 2 WITH OR WITHOUT POLYCYSTIC LIVER DISEASE. Identifiers: MedGen C2751306, MONDO:0013131, OMIM 613095.
Renal cyst. Also called: Cystic kidney disease; Renal cysts; cystic kidneys. Identifiers: MedGen C3887499, MONDO:0002473, HP:0000107.

Submissions (2):

Victorian Clinical Genetics Services, Murdoch Childrens Research Institute
Classification: Uncertain significance for Polycystic kidney disease 2. Last evaluated: 2026-05-18. Review status: criteria provided, single submitter. Criteria: ACMG Guidelines, 2015. Collection method: clinical testing. Allele origin: germline. Affected: yes.
Comment: This variant is classified as VUS-3A. Evidence in support of pathogenic classification: Variant is absent from gnomAD (v2, v3 and v4); Missense variant predicted to be damaging by in silico tool(s) or highly conserved with a major amino acid change. Additional information: Variant is predicted to result in a missense amino acid change from Trp to Cys; This variant is heterozygous; This gene is associated with autosomal dominant disease; Previous evidence of pathogenicity for this variant is inconclusive. This variant has been classified once as VUS by a clinical laboratory for an individual presenting with enlarged kidneys and multiple renal cortical cysts (ClinVar). Additionally, an alternative substitution resulting in the same predicted protein outcome, c.1098G>C, has been classified twice as VUS by clinical laboratories (ClinVar); No published evidence of segregation with disease has been identified for this variant; No published functional evidence has been identified for this variant; Another missense variant(s) comparable to the one identified in this case has inconclusive previous evidence for pathogenicity. p.(Trp366Arg) has been classified as VUS by a clinical laboratory for an individual with renal cysts (ClinVar); Variant is located in the annotated polycystin domain (DECIPHER); Loss of function is a known mechanism of disease in this gene and is associated with polycystic kidney disease 2 (MIM#613095); Inheritance information for this variant is not currently available in this individual.

Cambridge Genomics Laboratory, East Genomic Laboratory Hub, NHS Genomic Medicine Service
Classification: Uncertain significance for Renal cyst. Last evaluated: 2019-10-07. Review status: criteria provided, single submitter. Criteria: ACGS Best Practice Guidelines for Variant Classification in Rare Disease 2020. Collection method: clinical testing. Allele origin: germline. Affected: yes. Observed: 1 variant allele.